The following is an entry in ClinVar:

NM_006164.5(NFE2L2):c.1026T>C (p.Ser342=)

Gene: NFE2L2 (NFE2 like bZIP transcription factor 2; minus strand). Cytogenetic location: 2q31.2.
Variant type: single nucleotide variant.
Coding change: c.1026T>C on transcript NM_006164.5 (MANE Select); coding-DNA position 1026, T replaced by C.
Protein change: p.Ser342=; no amino-acid change (serine 342 retained).
Molecular consequence: synonymous variant.
Genome position (GRCh38, 1-based): chr2:177,231,577, A>G on the plus strand (T>C on the coding strand, the complement: NFE2L2 is on the minus strand). VCF-style: chr2-177231577-A-G. GRCh37 (hg19) VCF-style: chr2-178096305-A-G.
Other names: c.978T>C, p.Ser326= (NM_001313900.1, NM_001313901.1, NM_001145412.3); c.957T>C, p.Ser319= (NM_001145413.3); c.936T>C, p.Ser312= (NM_001313902.2); c.807T>C, p.Ser269= (NM_001313903.2); c.726T>C, p.Ser242= (NM_001313904.1); c.1026T>C (NM_006164.4).
Identifiers: ClinVar variation 1531060 (VCV001531060.11), dbSNP rs747873842, ClinGen allele CA1979756.

ClinVar aggregate classification (germline): Likely benign. Review status: criteria provided, multiple submitters, no conflicts (2 of 4 stars). 3 submissions from 3 submitters: Likely benign (2). 1 of the submissions does not count toward it. Last evaluated 2024-11-06.

Conditions:
NFE2L2-related disorder. Also called: NFE2L2-related condition.

Allele frequency attached by ClinVar (database versions not stated): ExAC 0.00001; gnomAD exomes 0.00001 and 0.00005; gnomAD 0.00003; TOPMed 0.00005.
gnomAD v4.1: 76 of 1,614,118 alleles (0.0047%); highest among the groups gnomAD compares: Non-Finnish European, 0.0064%; no homozygotes.

Submissions (3):

Labcorp Genetics (formerly Invitae), Labcorp
Classification: Likely benign. Last evaluated: 2024-11-06. Review status: criteria provided, single submitter. Criteria: Invitae Variant Classification Sherloc (09022015). Collection method: clinical testing. Allele origin: germline.

Blueprint Genetics
Classification: Likely benign. Last evaluated: 2024-09-14. Review status: criteria provided, single submitter. Criteria: ACMG Guidelines, 2015. Collection method: clinical testing. Allele origin: germline.

PreventionGenetics, part of Exact Sciences
Classification: Likely benign for NFE2L2-related condition. Last evaluated: 2019-06-20. Review status: no assertion criteria provided. Collection method: clinical testing. Allele origin: germline. Not counted in ClinVar's aggregate classification.
Comment: This variant is classified as likely benign based on ACMG/AMP sequence variant interpretation guidelines (Richards et al. 2015 PMID: 25741868, with internal and published modifications).